The following is an entry in ClinVar:

ClinVar aggregate classification (germline): Uncertain significance (1 of 4 stars; one submission).

Submission:

Labcorp Genetics (formerly Invitae), Labcorp
Classification: Uncertain significance. Last evaluated: 2025-07-03. Review status: criteria provided, single submitter. Criteria: Invitae Variant Classification Sherloc (09022015). Collection method: clinical testing. Allele origin: germline.
Comment: This sequence change replaces alanine, which is neutral and non-polar, with proline, which is neutral and non-polar, at codon 309 of the C1S protein (p.Ala309Pro). This variant is not present in population databases (gnomAD no frequency). This variant has not been reported in the literature in individuals affected with C1S-related conditions. ClinVar contains an entry for this variant (Variation ID: 3679301). Invitae Evidence Modeling of protein sequence and biophysical properties (such as structural, functional, and spatial information, amino acid conservation, physicochemical variation, residue mobility, and thermodynamic stability) indicates that this missense variant is not expected to disrupt C1S protein function with a negative predictive value of 80%. In summary, the available evidence is currently insufficient to determine the role of this variant in disease. Therefore, it has been classified as a Variant of Uncertain Significance.

NM_001734.5(C1S):c.925G>C (p.Ala309Pro)

Gene: C1S (complement C1s; plus strand). Cytogenetic location: 12p13.31.
Variant type: single nucleotide variant.
Coding change: c.925G>C on transcript NM_001734.5 (MANE Select); coding-DNA position 925, G replaced by C.
Protein change: p.Ala309Pro; replaces alanine 309 with proline.
Molecular consequence: missense variant.
Genome position (GRCh38, 1-based): chr12:7,066,571, G>C. VCF-style: chr12-7066571-G-C. GRCh37 (hg19) VCF-style: chr12-7173875-G-C.
Other names: c.424G>C, p.Ala142Pro (NM_001346850.2); c.925G>C, p.Ala309Pro (NM_201442.4); short protein forms A142P, A309P.
Identifiers: ClinVar variation 3679301 (VCV003679301.2).